The following is an entry in ClinVar:

ClinVar aggregate classification (germline): Uncertain significance (1 of 4 stars; one submission).

Conditions:
Catecholaminergic polymorphic ventricular tachycardia (CVPT). Also called: Catecholamine-induced polymorphic ventricular tachycardia. Identifiers: Orphanet 3286, MedGen C5574922, MONDO:0017990.

Submission:

Labcorp Genetics (formerly Invitae), Labcorp
Classification: Uncertain significance for Catecholaminergic polymorphic ventricular tachycardia. Last evaluated: 2019-11-27. Review status: criteria provided, single submitter. Criteria: Invitae Variant Classification Sherloc (09022015). Collection method: clinical testing. Allele origin: germline.
Comment: This variant results in a copy number gain of the genomic region encompassing exons 2-8 of the RYR2 gene. While the exact position of this variant cannot be determined from this data, sub-genic copy number gains are generally in tandem (PMID: 25640679). This variant would be expected to be in-frame, preserving the integrity of the reading frame. This variant has not been reported in the literature in individuals with RYR2-related conditions. Experimental studies and prediction algorithms are not available or were not evaluated for this variant, and the functional significance of the affected amino acid(s) is currently unknown. In summary, the available evidence is currently insufficient to determine the role of this variant in disease. Therefore, it has been classified as a Variant of Uncertain Significance.

NC_000001.11:g.(?_237270487)_(237377445_?)dup

Gene: RYR2 (ryanodine receptor 2; plus strand). Cytogenetic location: 1q43.
Variant type: Duplication.
Identifiers: ClinVar variation 832744 (VCV000832744.2).